The following is an entry in ClinVar:

ClinVar aggregate classification (germline): Pathogenic (1 of 4 stars; one submission).

Submission:

GeneDx
Classification: Pathogenic. Last evaluated: 2017-02-21. Review status: criteria provided, single submitter. Criteria: GeneDx Variant Classification (06012015). Collection method: clinical testing. Allele origin: germline. Affected: yes.
Comment: The E458X nonsense variant in the ATP2A2 gene has been reported previously in association with Darier Disease (Pedace et al., 2011). This pathogenic variant is predicted to cause loss of normal protein function either through protein truncation or nonsense-mediated mRNA decay. Additionally, the E458X variant was not observed in approximately 6,000 individuals of European and African American ancestry in the NHLBI Exome Sequencing Project.

NM_170665.4(ATP2A2):c.1372G>T (p.Glu458Ter)

Gene: ATP2A2 (ATPase sarcoplasmic/endoplasmic reticulum Ca2+ transporting 2; plus strand). Cytogenetic location: 12q24.11.
Variant type: single nucleotide variant.
Coding change: c.1372G>T on transcript NM_170665.4 (MANE Select); coding-DNA position 1372, G replaced by T.
Protein change: p.Glu458Ter; replaces glutamic acid 458 with a stop codon.
Molecular consequence: nonsense.
Genome position (GRCh38, 1-based): chr12:110,334,096, G>T. VCF-style: chr12-110334096-G-T. GRCh37 (hg19) VCF-style: chr12-110771901-G-T.
Other names: c.1372G>T, p.Glu458Ter (NM_001681.4); short protein forms E458*.
Identifiers: ClinVar variation 420103 (VCV000420103.2), dbSNP rs757914881, ClinGen allele CA16619431.